The following is an entry in ClinVar:

NM_170606.3(KMT2C):c.2200A>G (p.Thr734Ala)

Gene: KMT2C (lysine methyltransferase 2C; minus strand). Cytogenetic location: 7q36.1.
Variant type: single nucleotide variant.
Coding change: c.2200A>G on transcript NM_170606.3 (MANE Select); coding-DNA position 2200, A replaced by G.
Protein change: p.Thr734Ala; replaces threonine 734 with alanine.
Molecular consequence: missense variant.
Genome position (GRCh38, 1-based): chr7:152,248,234, T>C on the plus strand (A>G on the coding strand, the complement: KMT2C is on the minus strand). VCF-style: chr7-152248234-T-C. GRCh37 (hg19) VCF-style: chr7-151945319-T-C.
Other names: short protein forms T734A.
Identifiers: ClinVar variation 5040573 (VCV005040573.1).

ClinVar aggregate classification (germline): Likely benign (1 of 4 stars; one submission).

gnomAD v4.1: 12 of 1,613,858 alleles (0.00074%); highest among the groups gnomAD compares: Admixed American, 0.005%; no homozygotes.

Submission:

CeGaT Center for Human Genetics Tuebingen
Classification: Likely benign. Last evaluated: 2026-08-01. Review status: criteria provided, single submitter. Criteria: CeGaT Center For Human Genetics Tuebingen Variant Classification Criteria Version 2. Collection method: clinical testing. Allele origin: germline. Affected: yes. Observed: 1 variant allele.
Comment: KMT2C: BP4, BS2